The following is an entry in ClinVar:

ClinVar aggregate classification (germline): Conflicting classifications of pathogenicity. Review status: criteria provided, conflicting classifications (1 of 4 stars). 3 submissions from 3 submitters: Pathogenic (1); Uncertain significance (1). 1 of the submissions does not count toward it. Last evaluated 2026-07-01.

Conditions:
Glycogen storage disease, type II (IOPD). Also called: GLYCOGENOSIS, GENERALIZED, CARDIAC FORM; GSD II; CARDIOMEGALIA GLYCOGENICA DIFFUSA; POMPE DISEASE, INFANTILE-ONSET; GLYCOGEN STORAGE DISEASE II, INFANTILE-ONSET; ACID ALPHA-GLUCOSIDASE DEFICIENCY, INFANTILE-ONSET. Identifiers: Orphanet 365, MedGen C0017921, MONDO:0009290, OMIM 232300.

Submissions (3):

Genomenon, Inc
Classification: Uncertain significance for Glycogen storage disease, type II. Last evaluated: 2026-07-01. Review status: criteria provided, single submitter. Criteria: Genomenon Sequence Variant Interpretation Standards - Updated. Collection method: curation. Allele origin: germline. Affected: yes.
Comment: GAA p.Lys903del (c.2707_2709del) is an in-frame deletion that results in the loss of Lysine at codon 903. This variant has been observed in at least one proband with a GAA-related disorder in the compound heterozygous and/or homozygous state (PMID:7717400). At least one functional study has demonstrated a substantial alteration in protein function relative to the wild-type (PMID:19862843;7717400). It is absent or not present at a significant frequency in gnomAD. In conclusion, we classify GAA p.Lys903del (c.2707_2709del) as a variant of uncertain significance.

Labcorp Genetics (formerly Invitae), Labcorp
Classification: Pathogenic for Glycogen storage disease, type II. Last evaluated: 2023-06-27. Review status: criteria provided, single submitter. Criteria: Invitae Variant Classification Sherloc (09022015). Collection method: clinical testing. Allele origin: germline.
Comment: For these reasons, this variant has been classified as Pathogenic. Experimental studies have shown that this variant affects GAA function (PMID: 7717400, 21972175). Algorithms developed to predict the effect of variants on protein structure and function are not available or were not evaluated for this variant. ClinVar contains an entry for this variant (Variation ID: 4028). This variant has been observed in individual(s) with clinical features of Pompe disease (PMID: 7717400; Invitae). In at least one individual the data is consistent with being in trans (on the opposite chromosome) from a pathogenic variant. This variant is not present in population databases (gnomAD no frequency). This variant, c.2707_2709del, results in the deletion of 1 amino acid(s) of the GAA protein (p.Lys903del), but otherwise preserves the integrity of the reading frame.

OMIM
Classification: Pathogenic for POMPE DISEASE, INFANTILE-ONSET. Last evaluated: 1995-04-01. Review status: no assertion criteria provided. Collection method: literature only. Allele origin: germline. Not counted in ClinVar's aggregate classification.

Literature cited by the submitters: PubMed 7717400 (cited by 3 submitters); PubMed 19862843 (cited by Genomenon, Inc); PubMed 21972175 (cited by Labcorp Genetics (formerly Invitae), Labcorp).

NM_000152.5(GAA):c.2707_2709del (p.Lys903del)

Gene: GAA (alpha glucosidase; plus strand). Cytogenetic location: 17q25.3.
Variant type: Deletion.
Coding change: c.2707_2709del on transcript NM_000152.5 (MANE Select); coding-DNA positions 2707 to 2709, 3 bases deleted (AAG; older notation c.2707_2709delAAG).
Protein change: p.Lys903del; deletes lysine 903.
Molecular consequence: inframe deletion.
Genome position (GRCh38, 1-based): chr17:80,118,713-80,118,715, AAG deleted; deleting any 3 consecutive bases within chr17:80,118,711-80,118,715 gives the same sequence; the c. name uses the placement nearest the transcript's 3' end. VCF-style (leftmost placement, unchanged base first): chr17-80118710-CAGA-C. GRCh37 (hg19) VCF-style: chr17-78092509-CAGA-C.
Other names: K903delK; c.2707_2709del, p.Lys903delLys (LRG_673t1); c.2707_2709del, p.Lys903del (NM_001079803.3, NM_001079804.3); short protein forms K903del.
Identifiers: ClinVar variation 4028 (VCV000004028.12), dbSNP rs121907939, ClinGen allele CA116607.